The following is an entry in ClinVar:

NM_024782.3(NHEJ1):c.75del (p.Lys26fs)

Gene: NHEJ1 (non-homologous end joining factor 1; minus strand). Cytogenetic location: 2q35.
Variant type: Deletion.
Coding change: c.75del on transcript NM_024782.3 (MANE Select); coding-DNA position 75, one base deleted (C; older notation c.75delC).
Protein change: p.Lys26fs; shifts the reading frame from lysine 26.
Molecular consequence: frameshift variant. On other transcripts: non-coding transcript variant (1).
Genome position (GRCh38, 1-based): chr2:219,158,288, G deleted on the plus strand (C on the coding strand, the reverse complement: NHEJ1 is on the minus strand); the first of 2 consecutive G bases (chr2:219,158,288-219,158,289); deleting either gives the same sequence. VCF-style (leftmost placement, unchanged base first): chr2-219158287-TG-T. GRCh37 (hg19) VCF-style: chr2-220023009-TG-T.
Other names: c.75del, p.Lys26fs (NM_001377498.1, NM_001377499.1); short protein forms K26fs.
Identifiers: ClinVar variation 3021248 (VCV003021248.3), dbSNP rs1949876985, ClinGen allele CA1329085374.

ClinVar aggregate classification (germline): Pathogenic (1 of 4 stars; one submission).

Conditions:
Cernunnos-XLF deficiency (IMD124). Also called: NHEJ1 SYNDROME; SCID, AUTOSOMAL RECESSIVE, T CELL-NEGATIVE, B CELL-NEGATIVE, NK CELL-POSITIVE, WITH MICROCEPHALY, GROWTH RETARDATION, AND SENSITIVITY TO IONIZING RADIATION; Severe combined immunodeficiency with sensitivity to ionizing radiation due to NHEJ1 deficiency; SCID, autosomal recessive, T cell-negative, B cell-negative, NK cell-positive, and sensitivity to ionizing radiation due to NHEJ1 deficiency; IMMUNODEFICIENCY 124, SEVERE COMBINED. Identifiers: Orphanet 169079, MedGen C1969799, MONDO:0012650, OMIM 611291.

Submission:

Labcorp Genetics (formerly Invitae), Labcorp
Classification: Pathogenic for Cernunnos-XLF deficiency. Last evaluated: 2025-11-03. Review status: criteria provided, single submitter. Criteria: Invitae Variant Classification Sherloc (09022015). Collection method: clinical testing. Allele origin: germline.
Comment: This sequence change creates a premature translational stop signal (p.Lys26Argfs*36) in the NHEJ1 gene. It is expected to result in an absent or disrupted protein product. Loss-of-function variants in NHEJ1 are known to be pathogenic (PMID: 16439204, 20597108). This variant is not present in population databases (gnomAD no frequency). This variant has not been reported in the literature in individuals affected with NHEJ1-related conditions. ClinVar contains an entry for this variant (Variation ID: 3021248). For these reasons, this variant has been classified as Pathogenic.

Literature cited by the submitters: PubMed 16439204; PubMed 20597108.